The following is an entry in ClinVar:

NM_005476.7(GNE):c.462T>A (p.Ala154=)

Gene: GNE (glucosamine (UDP-N-acetyl)-2-epimerase/N-acetylmannosamine kinase; minus strand). Cytogenetic location: 9p13.3.
Variant type: single nucleotide variant.
Coding change: c.462T>A on transcript NM_005476.7 (MANE Select); coding-DNA position 462, T replaced by A.
Protein change: p.Ala154=; no amino-acid change (alanine 154 retained).
Molecular consequence: synonymous variant.
Genome position (GRCh38, 1-based): chr9:36,246,185, A>T on the plus strand (T>A on the coding strand, the complement: GNE is on the minus strand). VCF-style: chr9-36246185-A-T. GRCh37 (hg19) VCF-style: chr9-36246182-A-T.
Other names: c.555T>A, p.Ala185= (NM_001128227.3); c.462T>A, p.Ala154= (NM_001190383.3, NM_001374797.1); c.285T>A, p.Ala95= (NM_001190384.3, NM_001190388.2, NM_001374798.1).
Identifiers: ClinVar variation 1093695 (VCV001093695.24), dbSNP rs778963689, ClinGen allele CA5056725.
Genomic context (GRCh38, chr9:36,246,185, plus strand): 5'-GTCCTCACACATGGATATCAGGTGCTGCTCTGCACTGCGGGTGCAGCACACATGATAATG[A>T]GCCAGTTTTGTTATGGCATGTCTGATAGAGTCATCAATGGTCCCACTGACTTCCCCACCT-3'
Protein context (NP_005467.1, residues 144-164): DSIRHAITKL[Ala154=]HYHVCCTRSA

ClinVar aggregate classification (germline): Likely benign. Review status: criteria provided, multiple submitters, no conflicts (2 of 4 stars). 3 submissions from 3 submitters: Likely benign (3). Last evaluated 2025-12-16.

Conditions:
GNE myopathy (NM). Also called: IBM 2; Inclusion body myopathy autosomal recessive; Inclusion body myopathy quadriceps sparing; INCLUSION BODY MYOPATHY, HEREDITARY, AUTOSOMAL RECESSIVE; INCLUSION BODY MYOPATHY 2, AUTOSOMAL RECESSIVE; MYOPATHY, DISTAL, WITH OR WITHOUT RIMMED VACUOLES. Identifiers: Orphanet 602, MedGen C1853926, MONDO:0011603, OMIM 605820.
Sialuria. Also called: SIALURIA, FRENCH TYPE; Sialic Acid Storage Disease. Identifiers: Orphanet 3166, MedGen C0342853, MONDO:0010028, OMIM 269921.

Allele frequency attached by ClinVar (database versions not stated): gnomAD 0.00001; ExAC 0.00002; gnomAD exomes 0.00002 and 0.00006; TOPMed 0.00002.
gnomAD v4.1: 84 of 1,614,116 alleles (0.0052%); highest among the groups gnomAD compares: Non-Finnish European, 0.0069%; no homozygotes.

Submissions (3):

Labcorp Genetics (formerly Invitae), Labcorp
Classification: Likely benign for Sialuria; GNE myopathy. Last evaluated: 2025-12-16. Review status: criteria provided, single submitter. Criteria: Invitae Variant Classification Sherloc (09022015). Collection method: clinical testing. Allele origin: germline.

Blueprint Genetics
Classification: Likely benign. Last evaluated: 2024-09-12. Review status: criteria provided, single submitter. Criteria: ACMG Guidelines, 2015. Collection method: clinical testing. Allele origin: germline.

CeGaT Center for Human Genetics Tuebingen
Classification: Likely benign. Last evaluated: 2024-09-01. Review status: criteria provided, single submitter. Criteria: CeGaT Center For Human Genetics Tuebingen Variant Classification Criteria Version 2. Collection method: clinical testing. Allele origin: germline. Affected: yes. Observed: 1 variant allele.
Comment: GNE: BP4, BP7